The following is an entry in ClinVar:

ClinVar aggregate classification (germline): Pathogenic (1 of 4 stars; one submission).

Conditions:
Primary ciliary dyskinesia 3. Identifiers: Orphanet 244, MedGen C1837618, MONDO:0012085, OMIM 608644.

Submission:

Myriad Genetics, Inc.
Classification: Pathogenic for Primary ciliary dyskinesia 3. Last evaluated: 2025-03-01. Review status: criteria provided, single submitter. Criteria: Myriad Autosomal Dominant, Autosomal Recessive and X-Linked Classification Criteria (2023). Collection method: clinical testing. Allele origin: unknown.
Comment: NM_001369.2(DNAH5):c.6571_6574delTCTAinsCCT(S2191Pfs*3) is expected to be pathogenic in the context of primary ciliary dyskinesia, DNAH5-related. This variant is predicted to lead to an abnormal or absent protein product due to the creation of a premature termination codon in DNAH5, a gene where loss-of-function variants are known to be pathogenic. Please note: this variant was assessed in the context of healthy population screening.

NM_001369.3(DNAH5):c.6571_6574delinsCCT (p.Ser2191fs)

Gene: DNAH5 (dynein axonemal heavy chain 5; minus strand). Cytogenetic location: 5p15.2.
Variant type: Indel.
Coding change: c.6571_6574delinsCCT on transcript NM_001369.3 (MANE Select); coding-DNA positions 6571 to 6574, TCTA replaced by CCT.
Protein change: p.Ser2191fs; shifts the reading frame from serine 2191.
Molecular consequence: frameshift variant.
Genome position (GRCh38, 1-based): chr5:13,824,204-13,824,207, TAGA replaced by AGG on the plus strand (TCTA replaced by CCT on the coding strand, the reverse complement: DNAH5 is on the minus strand). VCF-style: chr5-13824204-TAGA-AGG. GRCh37 (hg19) VCF-style: chr5-13824313-TAGA-AGG.
Other names: short protein forms S2191fs.
Identifiers: ClinVar variation 5014165 (VCV005014165.1).